The following is an entry in ClinVar:

NM_005228.5(EGFR):c.80A>G (p.Glu27Gly)

Gene: EGFR (epidermal growth factor receptor; plus strand). Cytogenetic location: 7p11.2.
Variant type: single nucleotide variant.
Coding change: c.80A>G on transcript NM_005228.5 (MANE Select); coding-DNA position 80, A replaced by G.
Protein change: p.Glu27Gly; replaces glutamic acid 27 with glycine.
Molecular consequence: missense variant.
Genome position (GRCh38, 1-based): chr7:55,019,357, A>G. VCF-style: chr7-55019357-A-G. GRCh37 (hg19) VCF-style: chr7-55087050-A-G.
Other names: c.80A>G, p.Glu27Gly (NM_001346897.2, NM_001346898.2, NM_001346899.2 and 4 more transcripts); short protein forms E27G.
Identifiers: ClinVar variation 3843756 (VCV003843756.1).

ClinVar aggregate classification (germline): Uncertain significance (1 of 4 stars; one submission).

Conditions:
Hereditary cancer-predisposing syndrome. Also called: Hereditary neoplastic syndrome; Neoplastic Syndromes, Hereditary; Tumor predisposition; Hereditary Cancer Syndrome. Identifiers: Orphanet 140162, MedGen C0027672, MeSH D009386, MONDO:0015356.

Submission:

Ambry Genetics
Classification: Uncertain significance for Hereditary cancer-predisposing syndrome. Last evaluated: 2024-12-17. Review status: criteria provided, single submitter. Criteria: Ambry Variant Classification Scheme 2023. Collection method: clinical testing. Allele origin: germline.
Comment: The p.E27G variant (also known as c.80A>G), located in coding exon 1 of the EGFR gene, results from an A to G substitution at nucleotide position 80. The glutamic acid at codon 27 is replaced by glycine, an amino acid with similar properties. This amino acid position is well conserved in available vertebrate species. In addition, this alteration is predicted to be tolerated by in silico analysis. Based on the available evidence, the clinical significance of this variant remains unclear.